The following is an entry in ClinVar:

NM_000429.3(MAT1A):c.361G>A (p.Val121Ile)

Gene: MAT1A (methionine adenosyltransferase 1A; minus strand). Cytogenetic location: 10q22.3.
Variant type: single nucleotide variant.
Coding change: c.361G>A on transcript NM_000429.3 (MANE Select); coding-DNA position 361, G replaced by A.
Protein change: p.Val121Ile; replaces valine 121 with isoleucine.
Molecular consequence: missense variant.
Genome position (GRCh38, 1-based): chr10:80,280,724, C>T on the plus strand (G>A on the coding strand, the complement: MAT1A is on the minus strand). VCF-style: chr10-80280724-C-T. GRCh37 (hg19) VCF-style: chr10-82040480-C-T.
Other names: short protein forms V121I.
Identifiers: ClinVar variation 2194706 (VCV002194706.4), dbSNP rs545505182, ClinGen allele CA5576814.

ClinVar aggregate classification (germline): Uncertain significance (1 of 4 stars; one submission).

Conditions:
Hepatic methionine adenosyltransferase deficiency. Also called: Deficiency of methionine adenosyltransferase; Isolated Persistent Hypermethioninemia; Methionine adenosyltransferase deficiency; MAT I/III DEFICIENCY. Identifiers: Orphanet 168598, MedGen C0268621, MeSH C564683, MONDO:0009607, OMIM 250850.

Allele frequency attached by ClinVar (database versions not stated): gnomAD 0.00004; 1000 Genomes Project 30x 0.00016; 1000 Genomes Project 0.00020.

Submission:

Labcorp Genetics (formerly Invitae), Labcorp
Classification: Uncertain significance for Hepatic methionine adenosyltransferase deficiency. Last evaluated: 2024-11-11. Review status: criteria provided, single submitter. Criteria: Invitae Variant Classification Sherloc (09022015). Collection method: clinical testing. Allele origin: germline.
Comment: This sequence change replaces valine, which is neutral and non-polar, with isoleucine, which is neutral and non-polar, at codon 121 of the MAT1A protein (p.Val121Ile). This variant is present in population databases (rs545505182, gnomAD 0.006%). This missense change has been observed in individual(s) with autosomal recessive methionine adenosyltransferase deficiency (PMID: 36704196). ClinVar contains an entry for this variant (Variation ID: 2194706). Invitae Evidence Modeling of protein sequence and biophysical properties (such as structural, functional, and spatial information, amino acid conservation, physicochemical variation, residue mobility, and thermodynamic stability) indicates that this missense variant is not expected to disrupt MAT1A protein function with a negative predictive value of 80%. In summary, the available evidence is currently insufficient to determine the role of this variant in disease. Therefore, it has been classified as a Variant of Uncertain Significance.

Literature cited by the submitters: PubMed 36704196.